The following is an entry in ClinVar:

NM_001987.5(ETV6):c.981G>A (p.Glu327=)

Gene: ETV6 (ETS variant transcription factor 6; plus strand). Cytogenetic location: 12p13.2.
Variant type: single nucleotide variant.
Coding change: c.981G>A on transcript NM_001987.5 (MANE Select); coding-DNA position 981, G replaced by A.
Protein change: p.Glu327=; no amino-acid change (glutamic acid 327 retained).
Molecular consequence: synonymous variant.
Genome position (GRCh38, 1-based): chr12:11,869,941, G>A. VCF-style: chr12-11869941-G-A. GRCh37 (hg19) VCF-style: chr12-12022875-G-A.
Other names: c.954G>A, p.Glu318= (NM_001413914.1); c.717G>A, p.Glu239= (NM_001413915.1); c.981G>A, p.Glu327= (NM_001413916.1, NM_001413917.1); c.978G>A, p.Glu326= (NM_001413913.1).
Identifiers: ClinVar variation 3573524 (VCV003573524.2).

ClinVar aggregate classification (germline): Conflicting classifications of pathogenicity. Review status: criteria provided, conflicting classifications (1 of 4 stars). 2 submissions from 2 submitters: Uncertain significance (1); Likely benign (1). Last evaluated 2025-07-21.

Conditions:
Inborn genetic diseases. Identifiers: MedGen C0950123, MeSH D030342.

gnomAD v4.1: 9 of 1,608,196 alleles (0.00056%); highest among the groups gnomAD compares: Non-Finnish European, 0.00076%; no homozygotes.

Submissions (2):

Ambry Genetics
Classification: Likely benign for Inborn genetic diseases. Last evaluated: 2025-07-21. Review status: criteria provided, single submitter. Criteria: Ambry Variant Classification Scheme 2023. Collection method: clinical testing. Allele origin: germline.

GeneDx
Classification: Uncertain significance. Last evaluated: 2024-07-17. Review status: criteria provided, single submitter. Criteria: GeneDx Variant Classification Process June 2021. Collection method: clinical testing. Allele origin: germline. Affected: yes.
Comment: Not observed at significant frequency in large population cohorts (gnomAD); In silico analysis indicates that this variant does not alter splicing; Has not been previously published as pathogenic or benign to our knowledge